The following is an entry in ClinVar:

NM_001162501.2(TNRC6B):c.4994G>C (p.Arg1665Thr)

Gene: TNRC6B (trinucleotide repeat containing adaptor 6B; plus strand). Cytogenetic location: 22q13.1.
Variant type: single nucleotide variant.
Coding change: c.4994G>C on transcript NM_001162501.2 (MANE Select); coding-DNA position 4994, G replaced by C.
Protein change: p.Arg1665Thr; replaces arginine 1665 with threonine.
Molecular consequence: missense variant.
Genome position (GRCh38, 1-based): chr22:40,321,109, G>C. VCF-style: chr22-40321109-G-C. GRCh37 (hg19) VCF-style: chr22-40717113-G-C.
Other names: c.2582G>C, p.Arg861Thr (NM_001024843.2); c.4664G>C, p.Arg1555Thr (NM_015088.3); short protein forms R1555T, R1665T, R861T.
Identifiers: ClinVar variation 3372543 (VCV003372543.1).
Genomic context (GRCh38, chr22:40,321,109, plus strand): 5'-CCACCTCCAGTCTTTATCTCATGAATGTCATTACTCCTTAGATTGATGGGTCAACCTTGA[G>C]AACGATCTGCATGCAGCATGGCCCACTGCTGACATTCCATCTGAATCTAACCCAGGGCAC-3'
Protein context (NP_001155973.1, residues 1655-1675): LTPQIDGSTL[Arg1665Thr]TICMQHGPLL

ClinVar aggregate classification (germline): Uncertain significance (1 of 4 stars; one submission).

Submission:

GeneDx
Classification: Uncertain significance. Last evaluated: 2024-04-14. Review status: criteria provided, single submitter. Criteria: GeneDx Variant Classification Process June 2021. Collection method: clinical testing. Allele origin: germline. Affected: yes.
Comment: Not observed at significant frequency in large population cohorts (gnomAD); In silico analysis supports that this missense variant has a deleterious effect on protein structure/function; Has not been previously published as pathogenic or benign to our knowledge